The following is an entry in ClinVar:

Conditions:
Breast-ovarian cancer, familial, susceptibility to, 1 (BROVCA1). Also called: BRCA1 Hereditary Breast and Ovarian Cancer; OVARIAN CANCER, SUSCEPTIBILITY TO. Identifiers: Orphanet 145, MedGen C2676676, MONDO:0011450, OMIM 604370. Disease mechanism: loss of function.

Submission:

Brotman Baty Institute, University of Washington
No classification provided (evidence only). Condition: Breast-ovarian cancer, familial 1. Review status: no classification provided. Collection method: in vitro. Allele origin: not applicable. Functional consequence: function_uncertain_variant.
ClinVar note: "not provided" was previously submitted as the classification for the variant. However, the classification appeared to be based only on an observation of functional data so it was converted to no classification on 2025-07-30.

NM_007294.4(BRCA1):c.5075-6C>G

Gene: BRCA1 (BRCA1 DNA repair associated; minus strand). Cytogenetic location: 17q21.31.
Variant type: single nucleotide variant.
Coding change: c.5075-6C>G on transcript NM_007294.4 (MANE Select); 6 bases into the intron before coding-DNA position 5075, C replaced by G.
Molecular consequence: intron variant.
Genome position (GRCh38, 1-based): chr17:43,063,957, G>C on the plus strand (C>G on the coding strand, the complement: BRCA1 is on the minus strand). VCF-style: chr17-43063957-G-C. GRCh37 (hg19) VCF-style: chr17-41215974-G-C.
Other names: c.1622-6C>G (NM_001408458.1, NM_001408461.1, NM_001408464.1 and 7 more transcripts); c.4184-6C>G (NM_001407967.1); c.4694-6C>G (NM_001407959.1); c.4808-6C>G (NM_001407931.1, NM_001407932.1, NM_001407928.1 and 4 more transcripts); c.4931-6C>G (NM_001407747.1, NM_001407745.1, NM_001407737.1 and 21 more transcripts); c.4691-6C>G (NM_001407962.1, NM_001407960.1); c.1262-6C>G (NM_001408512.1); c.1385-6C>G (NM_001408510.1); and 73 more.
Identifiers: ClinVar variation 867614 (VCV000867614.3), dbSNP rs397507240, ClinGen allele CA916080131.